The following is an entry in ClinVar:

ClinVar aggregate classification (germline): Benign/Likely benign. Review status: criteria provided, multiple submitters, no conflicts (2 of 4 stars). 25 submissions from 18 submitters: Benign (18); Likely benign (3). 4 of the submissions do not count toward it. Last evaluated 2026-02-04.

Conditions:
Cardiovascular phenotype. Identifiers: MedGen CN230736.
Dilated cardiomyopathy 1G (CMD1G). Identifiers: Orphanet 154, MedGen C1858763, MONDO:0011400, OMIM 604145.
Autosomal recessive limb-girdle muscular dystrophy type 2J (LGMDR10). Also called: Limb-girdle muscular dystrophy, type 2J; MUSCULAR DYSTROPHY, LIMB-GIRDLE, AUTOSOMAL RECESSIVE 10. Identifiers: Orphanet 140922, MedGen C1837342, MONDO:0012127, OMIM 608807.
Early-onset myopathy with fatal cardiomyopathy (CMYO5). Also called: CONGENITAL MYOPATHY 5 WITH CARDIOMYOPATHY; Salih Myopathy. Identifiers: Orphanet 289377, MedGen C2673677, MONDO:0012714, OMIM 611705. Disease mechanism: loss of function.
Myopathy, myofibrillar, 9, with early respiratory failure (MFM9). Also called: MYOPATHY, PROXIMAL, WITH EARLY RESPIRATORY MUSCLE INVOLVEMENT; Myopathy, distal, with early respiratory failure, autosomal dominant; Hereditary myopathy with early respiratory failure; EDSTROM MYOPATHY. Identifiers: Orphanet 178464, Orphanet 34521, MedGen C1863599, MONDO:0011362, OMIM 603689.
Tibial muscular dystrophy (TMD). Also called: Tibial muscular dystrophy, tardive; UDD MYOPATHY; Udd Distal Myopathy – Tibial Muscular Dystrophy. Identifiers: Orphanet 609, MedGen C1838244, MONDO:0010870, OMIM 600334.

Allele frequency attached by ClinVar (database versions not stated): gnomAD exomes 0.00190 and 0.00441; ExAC 0.00481; ESP Exome Variant Server 0.01174; gnomAD 0.01261 and 0.01351; TOPMed 0.01463; 1000 Genomes Project 0.01617; 1000 Genomes Project 30x 0.01780.
gnomAD v4.1: 4,865 of 1,612,974 alleles (0.3%); highest among the groups gnomAD compares: African/African-American, 4.2%; 91 homozygotes.

Submissions (25):

Labcorp Genetics (formerly Invitae), Labcorp
Classification: Benign for Dilated cardiomyopathy 1G; Autosomal recessive limb-girdle muscular dystrophy type 2J. Last evaluated: 2026-02-04. Review status: criteria provided, single submitter. Criteria: Invitae Variant Classification Sherloc (09022015). Collection method: clinical testing. Allele origin: germline.

ARUP Laboratories, Molecular Genetics and Genomics, ARUP Laboratories
Classification: Benign. Last evaluated: 2025-04-28. Review status: criteria provided, single submitter. Criteria: ARUP Molecular Germline Variant Investigation Process 2024. Collection method: clinical testing. Allele origin: germline.

Molecular Diagnostic Laboratory for Inherited Cardiovascular Disease, Montreal Heart Institute
Classification: Benign. Last evaluated: 2025-04-09. Review status: criteria provided, single submitter. Criteria: ACMG Guidelines, 2015. Collection method: clinical testing. Allele origin: germline. Affected: no.

Athena Diagnostics
Classification: Benign. Last evaluated: 2024-12-17. Review status: criteria provided, single submitter. Criteria: Athena Diagnostics Criteria. Collection method: clinical testing. Allele origin: unknown.
Comment: The frequency of this variant in the general population is higher than would generally be expected for pathogenic variants in this gene. Computational tools predict this amino acid change may be benign.

Mayo Clinic Laboratories, Mayo Clinic
Classification: Benign. Last evaluated: 2022-05-02. Review status: criteria provided, single submitter. Criteria: ACMG Guidelines, 2015. Collection method: clinical testing. Allele origin: germline. Observed: 32 variant alleles.
Comment: BS1, BS2, BP4

Genetic Services Laboratory, University of Chicago
Classification: Benign. Last evaluated: 2021-11-21. Review status: criteria provided, single submitter. Criteria: ACMG Guidelines, 2015. Collection method: clinical testing. Allele origin: germline. Affected: no.

Genome-Nilou Lab
Classification: Benign for Autosomal recessive limb-girdle muscular dystrophy type 2J. Last evaluated: 2021-09-10. Review status: criteria provided, single submitter. Criteria: ACMG Guidelines, 2015. Collection method: clinical testing. Allele origin: germline. Affected: no.

Genome-Nilou Lab
Classification: Benign for Myopathy, myofibrillar, 9, with early respiratory failure. Last evaluated: 2021-09-10. Review status: criteria provided, single submitter. Criteria: ACMG Guidelines, 2015. Collection method: clinical testing. Allele origin: germline. Affected: no.

Genome-Nilou Lab
Classification: Benign for Early-onset myopathy with fatal cardiomyopathy. Last evaluated: 2021-09-10. Review status: criteria provided, single submitter. Criteria: ACMG Guidelines, 2015. Collection method: clinical testing. Allele origin: germline. Affected: no.

Genome-Nilou Lab
Classification: Benign for Tibial muscular dystrophy. Last evaluated: 2021-09-10. Review status: criteria provided, single submitter. Criteria: ACMG Guidelines, 2015. Collection method: clinical testing. Allele origin: germline. Affected: no.

Women's Health and Genetics/Laboratory Corporation of America, LabCorp
Classification: Likely benign. Last evaluated: 2021-01-07. Review status: criteria provided, single submitter. Criteria: LabCorp Variant Classification Summary - May 2015. Collection method: clinical testing. Allele origin: germline.

Illumina Laboratory Services, Illumina
Classification: Benign for Myopathy, myofibrillar, 9, with early respiratory failure. Last evaluated: 2018-01-12. Review status: criteria provided, single submitter. Criteria: ICSL Variant Classification Criteria 13 December 2019. Collection method: clinical testing. Allele origin: germline.
Comment: This variant was observed in the ICSL laboratory as part of a predisposition screen in an ostensibly healthy population. It had not been previously curated by ICSL or reported in the Human Gene Mutation Database (HGMD: prior to June 1st, 2018), and was therefore a candidate for classification through an automated scoring system. Utilizing variant allele frequency, disease prevalence and penetrance estimates, and inheritance mode, an automated score was calculated to assess if this variant is too frequent to cause the disease. Based on the score and internal cut-off values, a variant classified as benign is not then subjected to further curation. The score for this variant resulted in a classification of benign for this disease.

Illumina Laboratory Services, Illumina
Classification: Benign for Early-onset myopathy with fatal cardiomyopathy. Last evaluated: 2018-01-12. Review status: criteria provided, single submitter. Criteria: ICSL Variant Classification Criteria 13 December 2019. Collection method: clinical testing. Allele origin: germline.
Comment: the same text as in the submission from Illumina Laboratory Services, Illumina above.

Illumina Laboratory Services, Illumina
Classification: Likely benign for Dilated cardiomyopathy 1G. Last evaluated: 2018-01-12. Review status: criteria provided, single submitter. Criteria: ICSL Variant Classification Criteria 13 December 2019. Collection method: clinical testing. Allele origin: germline.
Comment: This variant was observed in the ICSL laboratory as part of a predisposition screen in an ostensibly healthy population. It had not been previously curated by ICSL or reported in the Human Gene Mutation Database (HGMD: prior to June 1st, 2018), and was therefore a candidate for classification through an automated scoring system. Utilizing variant allele frequency, disease prevalence and penetrance estimates, and inheritance mode, an automated score was calculated to assess if this variant is too frequent to cause the disease. Based on the score and internal cut-off values, a variant classified as likely benign is not then subjected to further curation. The score for this variant resulted in a classification of likely benign for this disease.

Illumina Laboratory Services, Illumina
Classification: Benign for Autosomal recessive limb-girdle muscular dystrophy type 2J. Last evaluated: 2018-01-12. Review status: criteria provided, single submitter. Criteria: ICSL Variant Classification Criteria 13 December 2019. Collection method: clinical testing. Allele origin: germline.
Comment: the same text as in the submission from Illumina Laboratory Services, Illumina above.

Illumina Laboratory Services, Illumina
Classification: Benign for Tibial muscular dystrophy. Last evaluated: 2018-01-12. Review status: criteria provided, single submitter. Criteria: ICSL Variant Classification Criteria 13 December 2019. Collection method: clinical testing. Allele origin: germline.
Comment: the same text as in the submission from Illumina Laboratory Services, Illumina above.

GeneDx
Classification: Benign. Last evaluated: 2014-06-03. Review status: criteria provided, single submitter. Criteria: GeneDx Variant Classification (06012015). Collection method: clinical testing. Allele origin: germline. Affected: yes.
Comment: This variant is considered likely benign or benign based on one or more of the following criteria: it is a conservative change, it occurs at a poorly conserved position in the protein, it is predicted to be benign by multiple in silico algorithms, and/or has population frequency not consistent with disease.

Biesecker Lab/Clinical Genomics Section, National Institutes of Health
Classification: Benign. Last evaluated: 2013-06-24. Review status: criteria provided, single submitter. Criteria: Ng et al. (Circ Cardiovasc Genet. 2013). Collection method: research. Allele origin: unknown. Observed: 4 variant alleles. Study: ClinSeq.
Comment: The study set was not selected for affection status in relation to any cancer. Pathogenicity categories were based on literature curation. See Pubmed ID:23861362 for details.

Medical sequencing

Ambry Genetics
Classification: Benign for Cardiovascular phenotype. Last evaluated: 2012-12-14. Review status: criteria provided, single submitter. Criteria: Ambry Autosomal Dominant and X-Linked criteria (10/2015). Collection method: clinical testing. Allele origin: germline. Observed: 1 variant allele.

Laboratory for Molecular Medicine, Mass General Brigham Personalized Medicine
Classification: Benign. Last evaluated: 2012-07-03. Review status: criteria provided, single submitter. Criteria: LMM Criteria. Collection method: clinical testing. Allele origin: germline. Observed: 25 variant alleles.
Comment: 3.5% (129/3708) of Afr Amer chrom in ESP

Breakthrough Genomics
Classification: Likely benign. Review status: criteria provided, single submitter. Criteria: ACMG Guidelines, 2015. Collection method: not provided. Allele origin: germline. Inheritance: Autosomal recessive inheritance. Affected: yes.

Clinical Genetics DNA and cytogenetics Diagnostics Lab, Erasmus MC, Erasmus Medical Center
Classification: Benign. Review status: no assertion criteria provided. Collection method: clinical testing. Allele origin: germline. Affected: yes. Study: VKGL Data-share Consensus. Not counted in ClinVar's aggregate classification.

Clinical Genetics, Academic Medical Center
Classification: Benign. Review status: no assertion criteria provided. Collection method: clinical testing. Allele origin: germline. Affected: yes. Study: VKGL Data-share Consensus. Not counted in ClinVar's aggregate classification.

Joint Genome Diagnostic Labs from Nijmegen and Maastricht, Radboudumc and MUMC+
Classification: Benign. Review status: no assertion criteria provided. Collection method: clinical testing. Allele origin: germline. Affected: yes. Study: VKGL Data-share Consensus. Not counted in ClinVar's aggregate classification.

Laboratory of Diagnostic Genome Analysis, Leiden University Medical Center (LUMC)
Classification: Likely benign. Review status: no assertion criteria provided. Collection method: clinical testing. Allele origin: germline. Affected: yes. Study: VKGL Data-share Consensus. Not counted in ClinVar's aggregate classification.

NM_001267550.2(TTN):c.26245G>A (p.Val8749Ile)

Gene: TTN (titin; minus strand). Cytogenetic location: 2q31.2.
Variant type: single nucleotide variant.
Coding change: c.26245G>A on transcript NM_001267550.2 (MANE Select); coding-DNA position 26245, G replaced by A.
Protein change: p.Val8749Ile; replaces valine 8749 with isoleucine.
Molecular consequence: missense variant. On other transcripts: intron variant (3).
Genome position (GRCh38, 1-based): chr2:178,714,529, C>T on the plus strand (G>A on the coding strand, the complement: TTN is on the minus strand). VCF-style: chr2-178714529-C-T. GRCh37 (hg19) VCF-style: chr2-179579256-C-T.
Other names: p.V7505I:GTT>ATT; c.25294G>A, p.Val8432Ile (NM_001256850.1); c.22513G>A, p.Val7505Ile (NM_133378.4); c.13282+23553G>A (NM_003319.4); c.13858+23553G>A (NM_133437.4); c.13657+23553G>A (NM_133432.3); short protein forms V8749I, V7505I, V8432I.
Identifiers: ClinVar variation 46775 (VCV000046775.50), dbSNP rs16866457, ClinGen allele CA282972.